The following is an entry in ClinVar:

ClinVar aggregate classification (germline): Pathogenic. Review status: criteria provided, multiple submitters, no conflicts (2 of 4 stars). 2 submissions from 2 submitters: Pathogenic (2). Last evaluated 2023-12-09.

Conditions:
Testosterone 17-beta-dehydrogenase deficiency. Also called: 46,XY disorder of sex development due to 17-beta-hydroxysteroid dehydrogenase 3 deficiency; Pseudohermaphroditism male with gynecomastia; 17-beta hydroxysteroid dehydrogenase 3 deficiency; 17 alpha ketosteroid reductase deficiency of testis; 17 alpha KSR deficiency; Neutral 17 beta hydroxysteroid oxidoreductase deficiency. Identifiers: Orphanet 752, MedGen C0268296, MONDO:0009916, OMIM 264300. Disease mechanism: loss of function.

Allele frequency attached by ClinVar (database versions not stated): TOPMed below 0.00001; ExAC 0.00002; gnomAD exomes 0.00002; gnomAD 0.00005.

Submissions (2):

Labcorp Genetics (formerly Invitae), Labcorp
Classification: Pathogenic. Last evaluated: 2023-12-09. Review status: criteria provided, single submitter. Criteria: Invitae Variant Classification Sherloc (09022015). Collection method: clinical testing. Allele origin: germline.
Comment: This sequence change creates a premature translational stop signal (p.Ile244Argfs*11) in the HSD17B3 gene. It is expected to result in an absent or disrupted protein product. Loss-of-function variants in HSD17B3 are known to be pathogenic (PMID: 23796702, 25740850). This variant is present in population databases (rs777697545, gnomAD 0.04%). This premature translational stop signal has been observed in individual(s) with 17-beta-hydroxysteroid dehydrogenase type 3 deficiency (PMID: 8550739, 30668521). ClinVar contains an entry for this variant (Variation ID: 2200699). For these reasons, this variant has been classified as Pathogenic.

Clinical Biochemistry Laboratory, Health Services Laboratory
Classification: Pathogenic for Testosterone 17-beta-dehydrogenase deficiency. Last evaluated: 2023-11-20. Review status: criteria provided, single submitter. Criteria: ACMG Guidelines, 2015. Collection method: clinical testing. Allele origin: germline. Affected: yes.
Comment: ACMG:PVS1 PM2 PM3 PP4

Literature cited by the submitters: PubMed 23796702 (cited by Labcorp Genetics (formerly Invitae), Labcorp); PubMed 25740850 (cited by Labcorp Genetics (formerly Invitae), Labcorp); PubMed 8550739 (cited by Labcorp Genetics (formerly Invitae), Labcorp); PubMed 30668521 (cited by Labcorp Genetics (formerly Invitae), Labcorp).

NM_000197.2(HSD17B3):c.729_735del (p.Ile244fs)

Genes: HSD17B3 (hydroxysteroid 17-beta dehydrogenase 3; minus strand), SLC35D2-HSD17B3 (SLC35D2-HSD17B3 readthrough; minus strand). Cytogenetic location: 9q22.32.
Variant type: Deletion.
Coding change: c.729_735del on transcript NM_000197.2 (MANE Select); coding-DNA positions 729 to 735, 7 bases deleted (GATAACC; older notation c.729_735delGATAACC).
Protein change: p.Ile244fs; shifts the reading frame from isoleucine 244.
Molecular consequence: frameshift variant.
Genome position (GRCh38, 1-based): chr9:96,240,845-96,240,851, GGTTATC deleted on the plus strand (GATAACC on the coding strand, the reverse complement: HSD17B3 is on the minus strand). VCF-style (leftmost placement, unchanged base first): chr9-96240844-TGGTTATC-T. GRCh37 (hg19) VCF-style: chr9-99003126-TGGTTATC-T.
Other names: c.729_735del (NM_000197.1); short protein forms I244fs.
Identifiers: ClinVar variation 2200699 (VCV002200699.6), dbSNP rs777697545, ClinGen allele CA5140274.